The following is an entry in ClinVar:

ClinVar aggregate classification (germline): Likely pathogenic (0 of 4 stars; one submission).

Conditions:
DNMT3A-related disorder. Also called: DNMT3A-related disorders; DNMT3A-related condition.

Submission:

PreventionGenetics, part of Exact Sciences
Classification: Likely pathogenic for DNMT3A-related condition. Last evaluated: 2024-07-10. Review status: no assertion criteria provided. Collection method: clinical testing. Allele origin: germline.
Comment: The DNMT3A c.940delT variant is predicted to result in a frameshift and premature protein termination (p.Trp314Glyfs*2). To our knowledge, this variant has not been reported in the literature or in a large population database, indicating this variant is rare. Frameshift variants in DNMT3A are expected to be pathogenic. This variant is interpreted as likely pathogenic.

NM_022552.5(DNMT3A):c.940del (p.Trp314fs)

Gene: DNMT3A (DNA methyltransferase 3 alpha; minus strand). Cytogenetic location: 2p23.3.
Variant type: Deletion.
Coding change: c.940del on transcript NM_022552.5 (MANE Select); coding-DNA position 940, one base deleted (T; older notation c.940delT).
Protein change: p.Trp314fs; shifts the reading frame from tryptophan 314.
Molecular consequence: frameshift variant. On other transcripts: non-coding transcript variant (1).
Genome position (GRCh38, 1-based): chr2:25,247,665, A deleted on the plus strand (T on the coding strand, the reverse complement: DNMT3A is on the minus strand). VCF-style (leftmost placement, unchanged base first): chr2-25247664-CA-C. GRCh37 (hg19) VCF-style: chr2-25470533-CA-C.
Other names: c.484del, p.Trp162fs (NM_001320893.1); c.271del, p.Trp91fs (NM_001375819.1); c.373del, p.Trp125fs (NM_153759.3); c.940del, p.Trp314fs (NM_175629.2); c.940delT (NM_175629.2); short protein forms W125fs, W162fs, W314fs, W91fs.
Identifiers: ClinVar variation 3347382 (VCV003347382.1).